The following is an entry in ClinVar:

ClinVar aggregate classification (germline): Likely pathogenic (1 of 4 stars; one submission).

Submission:

Labcorp Genetics (formerly Invitae), Labcorp
Classification: Likely pathogenic. Last evaluated: 2025-06-03. Review status: criteria provided, single submitter. Criteria: Invitae Variant Classification Sherloc (09022015). Collection method: clinical testing. Allele origin: germline.
Comment: This sequence change affects a donor splice site in intron 12 of the IFT74 gene. It is expected to disrupt RNA splicing. Variants that disrupt the donor or acceptor splice site typically lead to a loss of protein function (PMID: 16199547), and loss-of-function variants in IFT74 are known to be pathogenic (PMID: 33531668). This variant is not present in population databases (gnomAD no frequency). This variant has not been reported in the literature in individuals affected with IFT74-related conditions. ClinVar contains an entry for this variant (Variation ID: 2009197). Algorithms developed to predict the effect of sequence changes on RNA splicing suggest that this variant may disrupt the consensus splice site. In summary, the currently available evidence indicates that the variant is pathogenic, but additional data are needed to prove that conclusively. Therefore, this variant has been classified as Likely Pathogenic.

Literature cited by the submitters: PubMed 16199547; PubMed 33531668.

NM_025103.4(IFT74):c.974+1G>C

Gene: IFT74 (intraflagellar transport 74; plus strand). Cytogenetic location: 9p21.2.
Variant type: single nucleotide variant.
Coding change: c.974+1G>C on transcript NM_025103.4 (MANE Select); the canonical splice donor site of the intron after coding-DNA position 974, G replaced by C.
Molecular consequence: splice donor variant.
Genome position (GRCh38, 1-based): chr9:27,018,688, G>C. VCF-style: chr9-27018688-G-C. GRCh37 (hg19) VCF-style: chr9-27018686-G-C.
Other names: c.974+1G>C (NM_001099223.3, NM_001099222.3, NM_001349928.2 and 1 more transcripts).
Identifiers: ClinVar variation 2009197 (VCV002009197.4), dbSNP rs2489493326, ClinGen allele CA373120866.